The following is an entry in ClinVar:

NM_022765.4(MICAL1):c.184T>A (p.Ser62Thr)

Gene: MICAL1 (microtubule associated monooxygenase, calponin and LIM domain containing 1; minus strand). Cytogenetic location: 6q21.
Variant type: single nucleotide variant.
Coding change: c.184T>A on transcript NM_022765.4 (MANE Select); coding-DNA position 184, T replaced by A.
Protein change: p.Ser62Thr; replaces serine 62 with threonine.
Molecular consequence: missense variant.
Genome position (GRCh38, 1-based): chr6:109,454,013, A>T on the plus strand (T>A on the coding strand, the complement: MICAL1 is on the minus strand). VCF-style: chr6-109454013-A-T. GRCh37 (hg19) VCF-style: chr6-109775216-A-T.
Other names: c.184T>A, p.Ser62Thr (NM_001159291.2); c.241T>A, p.Ser81Thr (NM_001286613.2); short protein forms S81T, S62T.
Identifiers: ClinVar variation 4729902 (VCV004729902.1).

ClinVar aggregate classification (germline): Uncertain significance (1 of 4 stars; one submission).

Submission:

Labcorp Genetics (formerly Invitae), Labcorp
Classification: Uncertain significance. Last evaluated: 2025-10-26. Review status: criteria provided, single submitter. Criteria: Invitae Variant Classification Sherloc (09022015). Collection method: clinical testing. Allele origin: germline.
Comment: This sequence change replaces serine, which is neutral and polar, with threonine, which is neutral and polar, at codon 81 of the MICAL1 protein (p.Ser81Thr). This variant is not present in population databases (gnomAD no frequency). This variant has not been reported in the literature in individuals affected with MICAL1-related conditions. An algorithm developed to predict the effect of missense changes on protein structure and function (PolyPhen-2) suggests that this variant is likely to be tolerated. In summary, the available evidence is currently insufficient to determine the role of this variant in disease. Therefore, it has been classified as a Variant of Uncertain Significance.